The following is an entry in ClinVar:

ClinVar aggregate classification (germline): Uncertain significance. Review status: criteria provided, multiple submitters, no conflicts (2 of 4 stars). 2 submissions from 2 submitters: Uncertain significance (2). Last evaluated 2025-09-07.

Conditions:
Cardiovascular phenotype. Identifiers: MedGen CN230736.
Hypertrophic cardiomyopathy 14. Identifiers: MedGen C2750467, MONDO:0013197, OMIM 613251.

Allele frequency attached by ClinVar (database versions not stated): gnomAD exomes 0.00001 and 0.00006; TOPMed 0.00002; ExAC 0.00005; ESP Exome Variant Server 0.00008.
gnomAD v4.1: 22 of 1,613,890 alleles (0.0014%); highest among the groups gnomAD compares: East Asian, 0.045%; no homozygotes.

Submissions (2):

Labcorp Genetics (formerly Invitae), Labcorp
Classification: Uncertain significance for Hypertrophic cardiomyopathy 14. Last evaluated: 2025-09-07. Review status: criteria provided, single submitter. Criteria: Invitae Variant Classification Sherloc (09022015). Collection method: clinical testing. Allele origin: germline.
Comment: This sequence change replaces alanine, which is neutral and non-polar, with valine, which is neutral and non-polar, at codon 769 of the MYH6 protein (p.Ala769Val). This variant is present in population databases (rs139182991, gnomAD 0.08%), and has an allele count higher than expected for a pathogenic variant. This variant has not been reported in the literature in individuals affected with MYH6-related conditions. ClinVar contains an entry for this variant (Variation ID: 1436827). Invitae Evidence Modeling of protein sequence and biophysical properties (such as structural, functional, and spatial information, amino acid conservation, physicochemical variation, residue mobility, and thermodynamic stability) has been performed for this missense variant. However, the output from this modeling did not meet the statistical confidence thresholds required to predict the impact of this variant on MYH6 protein function. In summary, the available evidence is currently insufficient to determine the role of this variant in disease. Therefore, it has been classified as a Variant of Uncertain Significance.

Ambry Genetics
Classification: Uncertain significance for Cardiovascular phenotype. Last evaluated: 2024-04-16. Review status: criteria provided, single submitter. Criteria: Ambry Variant Classification Scheme 2023. Collection method: clinical testing. Allele origin: germline.
Comment: The p.A769V variant (also known as c.2306C>T), located in coding exon 18 of the MYH6 gene, results from a C to T substitution at nucleotide position 2306. The alanine at codon 769 is replaced by valine, an amino acid with similar properties. This variant was reported in one individual with arrhythmogenic right ventricular cardiomyopathy (ARVC); however, clinical details were limited (Lu C et al. J Transl Med, 2018 08;16:241). This alteration was also reported in a cohort of subjects with recurrent syncope (Lee SH et al. J Cardiovasc Dev Dis, 2022 Aug;9:). This amino acid position is highly conserved in available vertebrate species. In addition, this alteration is predicted to be deleterious by in silico analysis. Since supporting evidence is limited at this time, the clinical significance of this alteration remains unclear.

Literature cited by the submitters: PubMed 30165862 (cited by Ambry Genetics); PubMed 36005429 (cited by Ambry Genetics).

NM_002471.4(MYH6):c.2306C>T (p.Ala769Val)

Gene: MYH6 (myosin heavy chain 6; minus strand). Cytogenetic location: 14q11.2.
Variant type: single nucleotide variant.
Coding change: c.2306C>T on transcript NM_002471.4 (MANE Select); coding-DNA position 2306, C replaced by T.
Protein change: p.Ala769Val; replaces alanine 769 with valine.
Molecular consequence: missense variant.
Genome position (GRCh38, 1-based): chr14:23,396,407, G>A on the plus strand (C>T on the coding strand, the complement: MYH6 is on the minus strand). VCF-style: chr14-23396407-G-A. GRCh37 (hg19) VCF-style: chr14-23865616-G-A.
Other names: short protein forms A769V.
Identifiers: ClinVar variation 1436827 (VCV001436827.9), dbSNP rs139182991, ClinGen allele CA7115502.